The following is an entry in ClinVar:

ClinVar aggregate classification (germline): Uncertain significance (1 of 4 stars; one submission).

gnomAD v4.1: 2 of 1,611,862 alleles (0.00012%); highest among the groups gnomAD compares: Non-Finnish European, 0.00017%; no homozygotes.

Submission:

GeneDx
Classification: Uncertain significance. Last evaluated: 2026-08-14. Review status: criteria provided, single submitter. Criteria: GeneDx Variant Classification Process June 2021. Collection method: clinical testing. Allele origin: germline.
Comment: Reported in patients with growth hormone deficiency and/or familial short stature (PMID: 30753492, 33729509, 37019085); Not observed at significant frequency in large population cohorts (gnomAD); In silico analysis supports that this missense variant has a deleterious effect on protein structure/function; This variant is associated with the following publications: (PMID: 32421827, 33729509, 2023[abstract], 38516887, 30753492, 37019085)

NM_003483.6(HMGA2):c.223C>T (p.Arg75Trp)

Gene: HMGA2 (high mobility group AT-hook 2; plus strand). Cytogenetic location: 12q14.3.
Variant type: single nucleotide variant.
Coding change: c.223C>T on transcript NM_003483.6 (MANE Select); coding-DNA position 223, C replaced by T.
Protein change: p.Arg75Trp; replaces arginine 75 with tryptophan.
Molecular consequence: missense variant.
Genome position (GRCh38, 1-based): chr12:65,838,543, C>T. VCF-style: chr12-65838543-C-T. GRCh37 (hg19) VCF-style: chr12-66232323-C-T.
Other names: c.223C>T, p.Arg75Trp (NM_001300918.1, NM_001300919.1, NM_001330190.1 and 1 more transcripts); short protein forms R75W.
Identifiers: ClinVar variation 1804186 (VCV001804186.2), dbSNP rs1173416748, ClinGen allele CA385678906.